The following is an entry in ClinVar:

ClinVar aggregate classification (germline): Uncertain significance (1 of 4 stars; one submission).

gnomAD v4.1: 1 of 1,211,518 alleles (0.000083%); highest among the groups gnomAD compares: Non-Finnish European, 0.00011%; no homozygotes.

Submission:

GeneDx
Classification: Uncertain significance. Last evaluated: 2024-11-06. Review status: criteria provided, single submitter. Criteria: GeneDx Variant Classification Process June 2021. Collection method: clinical testing. Allele origin: germline. Affected: yes.
Comment: Not observed at significant frequency in large population cohorts (gnomAD); In silico analysis indicates that this missense variant does not alter protein structure/function; Has not been previously published as pathogenic or benign to our knowledge

NM_031407.7(HUWE1):c.1087G>A (p.Val363Ile)

Gene: HUWE1 (HECT, UBA and WWE domain containing E3 ubiquitin protein ligase 1; minus strand). Cytogenetic location: Xp11.22.
Variant type: single nucleotide variant.
Coding change: c.1087G>A on transcript NM_031407.7 (MANE Select); coding-DNA position 1087, G replaced by A.
Protein change: p.Val363Ile; replaces valine 363 with isoleucine.
Molecular consequence: missense variant.
Genome position (GRCh38, 1-based): chrX:53,628,779, C>T on the plus strand (G>A on the coding strand, the complement: HUWE1 is on the minus strand). VCF-style: chrX-53628779-C-T. GRCh37 (hg19) VCF-style: chrX-53655730-C-T.
Other names: short protein forms V363I.
Identifiers: ClinVar variation 3899127 (VCV003899127.1).